The following is an entry in ClinVar:

ClinVar aggregate classification (germline): Likely benign (0 of 4 stars; one submission).

Conditions:
FLCN-related disorder. Also called: FLCN-related condition.

Submission:

PreventionGenetics, part of Exact Sciences
Classification: Likely benign for FLCN-related condition. Last evaluated: 2024-06-21. Review status: no assertion criteria provided. Collection method: clinical testing. Allele origin: germline.
Comment: This variant is classified as likely benign based on ACMG/AMP sequence variant interpretation guidelines (Richards et al. 2015 PMID: 25741868, with internal and published modifications).

NM_144997.7(FLCN):c.-361C>T

Gene: FLCN (folliculin; minus strand). Cytogenetic location: 17p11.2.
Variant type: single nucleotide variant.
Coding change: c.-361C>T on transcript NM_144997.7 (MANE Select); 361 bases upstream of the start codon, C replaced by T.
Molecular consequence: 5 prime UTR variant.
Genome position (GRCh38, 1-based): chr17:17,237,045, G>A on the plus strand (C>T on the coding strand, the complement: FLCN is on the minus strand). VCF-style: chr17-17237045-G-A. GRCh37 (hg19) VCF-style: chr17-17140359-G-A.
Other names: c.-569C>T (NM_001353229.2); c.-644C>T (NM_001353230.2); c.-560C>T (NM_001353231.2); c.-361C>T (NM_144606.7).
Identifiers: ClinVar variation 3356168 (VCV003356168.1).
Genomic context (GRCh38, chr17:17,237,045, plus strand): 5'-CCCTGACTGCGCTGGGTAGGTGGTCGCTGCGGGACCCGGACCGGCGGAATCACACCCAGA[G>A]CCCCCAAGCCCACGGCAGGGATGTCACCCGGGGTGGCGAGGCTCTCAAGCCCGGGTTCAG-3'